The following is an entry in ClinVar:

NM_001458.5(FLNC):c.5954C>T (p.Ser1985Leu)

Genes: FLNC (filamin C; plus strand), FLNC-AS1 (FLNC antisense RNA 1; minus strand). Cytogenetic location: 7q32.1.
Variant type: single nucleotide variant.
Coding change: c.5954C>T on transcript NM_001458.5 (MANE Select); coding-DNA position 5954, C replaced by T.
Protein change: p.Ser1985Leu; replaces serine 1985 with leucine.
Molecular consequence: missense variant.
Genome position (GRCh38, 1-based): chr7:128,852,702, C>T. VCF-style: chr7-128852702-C-T. GRCh37 (hg19) VCF-style: chr7-128492756-C-T.
Other names: c.5855C>T, p.Ser1952Leu (NM_001127487.2); short protein forms S1985L, S1952L.
Identifiers: ClinVar variation 539362 (VCV000539362.65), dbSNP rs200415625, ClinGen allele CA4475842.

ClinVar aggregate classification (germline): Conflicting classifications of pathogenicity. Review status: criteria provided, conflicting classifications (1 of 4 stars). 10 submissions from 10 submitters: Uncertain significance (4); Benign (1); Likely benign (5). Last evaluated 2026-06-08.

Conditions:
FLNC-related disorder. Also called: FLNC-related disorders; FLNC-related condition.
Hypertrophic cardiomyopathy 26. Also called: Cardiomyopathy, familial hypertrophic, 26. Identifiers: Orphanet 75249, MedGen C4310749, MONDO:0014883, OMIM 617047.
Cardiomyopathy (CMYO). Also called: Cardiomyopathies. Identifiers: Orphanet 167848, MedGen C0878544, MONDO:0004994, HP:0001638. Inheritance: Various modes of inheritance.
Cardiovascular phenotype. Identifiers: MedGen CN230736.
Myofibrillar myopathy 5. Also called: Filaminopathy (type); FILAMINOPATHY, AUTOSOMAL DOMINANT. Identifiers: Orphanet 171445, MedGen C1836050, MONDO:0012289, OMIM 609524.
Distal myopathy with posterior leg and anterior hand involvement. Also called: WILLIAMS DISTAL MYOPATHY. Identifiers: Orphanet 63273, MedGen C3279722, MONDO:0013550, OMIM 614065.

Allele frequency attached by ClinVar (database versions not stated): 1000 Genomes Project 30x 0.00016; 1000 Genomes Project 0.00020; ExAC 0.00022; gnomAD exomes 0.00022 and 0.00033; gnomAD 0.00030 and 0.00031; TOPMed 0.00032; ESP Exome Variant Server 0.00056.
gnomAD v4.1: 519 of 1,613,288 alleles (0.032%); highest among the groups gnomAD compares: Admixed American, 0.045%; 1 homozygote.

Submissions (10):

Women's Health and Genetics/Laboratory Corporation of America, LabCorp
Classification: Likely benign. Last evaluated: 2026-06-08. Review status: criteria provided, single submitter. Criteria: LabCorp Variant Classification Summary - May 2015. Collection method: clinical testing. Allele origin: germline.
Comment: Variant summary: FLNC c.5954C>T (p.Ser1985Leu) results in a non-conservative amino acid change in the encoded protein sequence. Algorithms developed to predict the effect of missense changes on protein structure and function are either unavailable or do not agree on the potential impact of this missense change. The variant allele was found at a frequency of 0.00022 in 248762 control chromosomes. The observed variant frequency exceeds the estimated maximal expected allele frequency for disease-causing variants in FLNC. c.5954C>T has been observed in individual(s) affected with FLNC-related conditions. These report(s) do not provide unequivocal conclusions about association of the variant with disease. To our knowledge, no experimental evidence demonstrating an impact on protein function has been reported. The following publication have been ascertained in the context of this evaluation (PMID: 32112656). ClinVar contains an entry for this variant (Variation ID: 539362). Based on the evidence outlined above, the variant was classified as likely benign.

Labcorp Genetics (formerly Invitae), Labcorp
Classification: Likely benign for Distal myopathy with posterior leg and anterior hand involvement; Myofibrillar myopathy 5; Hypertrophic cardiomyopathy 26. Last evaluated: 2026-01-28. Review status: criteria provided, single submitter. Criteria: Invitae Variant Classification Sherloc (09022015). Collection method: clinical testing. Allele origin: germline.

Ambry Genetics
Classification: Uncertain significance for Cardiovascular phenotype. Last evaluated: 2025-11-04. Review status: criteria provided, single submitter. Criteria: Ambry Variant Classification Scheme 2023. Collection method: clinical testing. Allele origin: germline.
Comment: The p.S1985L variant (also known as c.5954C>T), located in coding exon 36 of the FLNC gene, results from a C to T substitution at nucleotide position 5954. The serine at codon 1985 is replaced by leucine, an amino acid with dissimilar properties. This variant has been detected in a hypertrophic cardiomyopathy cohort; however, details were limited (Verdonschot JAJ et al. Hum. Mutat., 2020 Jun;41:1091-1111). This variant has also been detected in a frontotemporal dementia control cohort; however, cardiovascular history was not provided (Janssens J et al. Acta Neuropathol Commun, 2015 Nov;3:68). This amino acid position is highly conserved in available vertebrate species. In addition, the in silico prediction for this alteration is inconclusive. Since supporting evidence is limited at this time, the clinical significance of this alteration remains unclear.

PreventionGenetics, part of Exact Sciences
Classification: Likely benign for FLNC-related condition. Last evaluated: 2025-08-05. Review status: criteria provided, single submitter. Criteria: ACMG Guidelines, 2015. Collection method: clinical testing. Allele origin: germline.
Comment: This variant is classified as likely benign based on ACMG/AMP sequence variant interpretation guidelines (Richards et al. 2015 PMID: 25741868, with internal and published modifications).

Blueprint Genetics
Classification: Likely benign. Last evaluated: 2024-07-03. Review status: criteria provided, single submitter. Criteria: ACMG Guidelines, 2015. Collection method: clinical testing. Allele origin: germline.

CHEO Genetics Diagnostic Laboratory, Children's Hospital of Eastern Ontario
Classification: Uncertain significance for Cardiomyopathy. Last evaluated: 2022-10-05. Review status: criteria provided, single submitter. Criteria: ACMG Guidelines, 2015. Collection method: clinical testing. Allele origin: germline.

Revvity Omics, Revvity
Classification: Uncertain significance. Last evaluated: 2020-10-29. Review status: criteria provided, single submitter. Criteria: ACMG Guidelines, 2015. Collection method: clinical testing. Allele origin: germline.

GeneDx
Classification: Likely benign. Last evaluated: 2020-03-04. Review status: criteria provided, single submitter. Criteria: GeneDx Variant Classification Process June 2021. Collection method: clinical testing. Allele origin: germline. Affected: yes.
Comment: Has not been previously published as pathogenic or benign to our knowledge; In silico analysis, which includes protein predictors and evolutionary conservation, supports a deleterious effect; Reported in ClinVar as a variant of uncertain significance by another clinical laboratory (ClinVar Variant ID# 539362; Landrum et al., 2016); This variant is associated with the following publications: (PMID: 32112656)

CeGaT Center for Human Genetics Tuebingen
Classification: Uncertain significance. Last evaluated: 2019-05-01. Review status: criteria provided, single submitter. Criteria: CeGaT Center For Human Genetics Tuebingen Variant Classification Criteria Version 2. Collection method: clinical testing. Allele origin: germline. Affected: yes. Observed: 1 variant allele.

Agnes Ginges Centre for Molecular Cardiology, Centenary Institute
Classification: Benign for Hypertrophic cardiomyopathy 26. Last evaluated: 2018-04-17. Review status: criteria provided, single submitter. Criteria: ACMG Guidelines, 2015. Collection method: research. Allele origin: germline. Inheritance: Autosomal dominant inheritance. Affected: yes.
Comment: This variant has been identified as part of our research program. Refer to the 'condition' field for the phenotype of the proband(s) identified with this variant. For further information please feel free to contact us.

Literature cited by the submitters: PubMed 32112656 (cited by Women's Health and Genetics/Laboratory Corporation of America, LabCorp and Ambry Genetics); PubMed 26555887 (cited by Ambry Genetics).